The following is an entry in ClinVar:

NM_021629.4(GNB4):c.364T>A (p.Ser122Thr)

Gene: GNB4 (G protein subunit beta 4; minus strand). Cytogenetic location: 3q26.33.
Variant type: single nucleotide variant.
Coding change: c.364T>A on transcript NM_021629.4 (MANE Select); coding-DNA position 364, T replaced by A.
Protein change: p.Ser122Thr; replaces serine 122 with threonine.
Molecular consequence: missense variant.
Genome position (GRCh38, 1-based): chr3:179,414,951, A>T on the plus strand (T>A on the coding strand, the complement: GNB4 is on the minus strand). VCF-style: chr3-179414951-A-T. GRCh37 (hg19) VCF-style: chr3-179132739-A-T.
Other names: short protein forms S122T.
Identifiers: ClinVar variation 1695085 (VCV001695085.31), dbSNP rs2108591064, ClinGen allele CA355470009.

ClinVar aggregate classification (germline): Uncertain significance (1 of 4 stars; one submission).

Allele frequency attached by ClinVar (database versions not stated): gnomAD exomes below 0.00001.
gnomAD v4.1: 3 of 1,612,596 alleles (0.00019%); highest among the groups gnomAD compares: Non-Finnish European, 0.00025%; no homozygotes.

Submission:

CeGaT Center for Human Genetics Tuebingen
Classification: Uncertain significance. Last evaluated: 2022-05-01. Review status: criteria provided, single submitter. Criteria: CeGaT Center For Human Genetics Tuebingen Variant Classification Criteria Version 2. Collection method: clinical testing. Allele origin: germline. Affected: yes. Observed: 1 variant allele.
Comment: GNB4: PM2, PP4